The following is an entry in ClinVar:

ClinVar aggregate classification (germline): Benign/Likely benign. Review status: criteria provided, multiple submitters, no conflicts (2 of 4 stars). 6 submissions from 6 submitters: Benign (2); Likely benign (3). 1 of the submissions does not count toward it. Last evaluated 2026-05-01.

Conditions:
ANK2-related disorder. Also called: ANK2-related condition.
Cardiovascular phenotype. Identifiers: MedGen CN230736.
Long QT syndrome (LQTS). Identifiers: MedGen C0023976, MeSH D008133, MONDO:0002442. Disease mechanism: loss of function. Inheritance: Various modes of inheritance.
Cardiac arrhythmia, ankyrin-B-related. Also called: ANKYRIN-B SYNDROME. Identifiers: Orphanet 101016, Orphanet 768, MedGen C1970119, MONDO:0010958, OMIM 600919.

Allele frequency attached by ClinVar (database versions not stated): gnomAD 0.00008 and 0.00009; TOPMed 0.00012; ESP Exome Variant Server 0.00031.
gnomAD v4.1: 37 of 1,613,936 alleles (0.0023%); highest among the groups gnomAD compares: Middle Eastern, 0.033%; no homozygotes.

Submissions (6):

CeGaT Center for Human Genetics Tuebingen
Classification: Likely benign. Last evaluated: 2026-05-01. Review status: criteria provided, single submitter. Criteria: CeGaT Center For Human Genetics Tuebingen Variant Classification Criteria Version 2. Collection method: clinical testing. Allele origin: germline. Affected: yes. Observed: 2 variant alleles.
Comment: ANK2: BP4, BP7

Labcorp Genetics (formerly Invitae), Labcorp
Classification: Likely benign for Long QT syndrome. Last evaluated: 2025-11-25. Review status: criteria provided, single submitter. Criteria: Invitae Variant Classification Sherloc (09022015). Collection method: clinical testing. Allele origin: germline.

Genome-Nilou Lab
Classification: Benign for Cardiac arrhythmia, ankyrin-B-related. Last evaluated: 2021-12-05. Review status: criteria provided, single submitter. Criteria: ACMG Guidelines, 2015. Collection method: clinical testing. Allele origin: germline. Affected: no.

Women's Health and Genetics/Laboratory Corporation of America, LabCorp
Classification: Benign. Last evaluated: 2016-12-19. Review status: criteria provided, single submitter. Criteria: LabCorp Variant Classification Summary - May 2015. Collection method: clinical testing. Allele origin: germline.
Comment: Variant summary: The c.5313G>A (p.Lys1771=) in ANK2 gene is a synonymous change that involves a non-conserved nucleotide. 4/5 programs in Alamut predict that this variant does not affect a normal splicing, however no functional studies supporting these predictions were published at the time of evaluation. The variant is present in the large control population dataset of ExAC at a frequency 0.000066 (8/121064 chrs tested), exclusively in individuals of African origin (0.00077; 8/10334 chrs tested). This frequency exceeds the estimated maximal expected allele frequency of a pathogenic variant in ANK2 gene (0.00001). The c. 5313G>A has not, to our knowledge, been reported in affected individuals via published reports, but is cited as Likely Benign by a reputable database/clinical laboratory. The variant seems to be an ethnic specific polymorphism, therefore it has been classified as Benign.

Ambry Genetics
Classification: Likely benign for Cardiovascular phenotype. Last evaluated: 2015-12-24. Review status: criteria provided, single submitter. Criteria: Ambry Variant Classification Scheme 2023. Collection method: clinical testing. Allele origin: germline.

PreventionGenetics, part of Exact Sciences
Classification: Likely benign for ANK2-related condition. Last evaluated: 2021-04-02. Review status: no assertion criteria provided. Collection method: clinical testing. Allele origin: germline. Not counted in ClinVar's aggregate classification.
Comment: This variant is classified as likely benign based on ACMG/AMP sequence variant interpretation guidelines (Richards et al. 2015 PMID: 25741868, with internal and published modifications).

NM_001148.6(ANK2):c.5313G>A (p.Lys1771=)

Genes: ANK2 (ankyrin 2; plus strand), LOC126807136 (MED14-independent group 3 enhancer GRCh37_chr4:114274931-114276130; plus strand). Cytogenetic location: 4q26.
Variant type: single nucleotide variant.
Coding change: c.5313G>A on transcript NM_001148.6 (MANE Select); coding-DNA position 5313, G replaced by A.
Protein change: p.Lys1771=; no amino-acid change (lysine 1771 retained).
Molecular consequence: synonymous variant. On other transcripts: intron variant (68).
Genome position (GRCh38, 1-based): chr4:113,353,931, G>A. VCF-style: chr4-113353931-G-A. GRCh37 (hg19) VCF-style: chr4-114275087-G-A.
Other names: c.5079G>A, p.Lys1693= (NM_001386142.1); c.1713G>A, p.Lys571= (NM_001386166.1); c.5454G>A, p.Lys1818= (NM_001386174.1); c.5430G>A, p.Lys1810= (NM_001386175.1); c.4411+3682G>A (NM_001386186.2, NM_001386148.2); c.4213+3682G>A (NM_001354269.3); c.4291+3682G>A (NM_001386187.2); c.4252+3682G>A (NM_001386147.1); and 35 more.
Identifiers: ClinVar variation 264575 (VCV000264575.39), dbSNP rs140992864, ClinGen allele CA3051200.